The following is an entry in ClinVar:

NM_173689.7(CRB2):c.1898G>A (p.Arg633Gln)

Gene: CRB2 (crumbs cell polarity complex component 2; plus strand). Cytogenetic location: 9q33.3.
Variant type: single nucleotide variant.
Coding change: c.1898G>A on transcript NM_173689.7 (MANE Select); coding-DNA position 1898, G replaced by A.
Protein change: p.Arg633Gln; replaces arginine 633 with glutamine.
Molecular consequence: missense variant. On other transcripts: non-coding transcript variant (1).
Genome position (GRCh38, 1-based): chr9:123,370,951, G>A. VCF-style: chr9-123370951-G-A. GRCh37 (hg19) VCF-style: chr9-126133230-G-A.
Other names: short protein forms R633Q.
Identifiers: ClinVar variation 4990552 (VCV004990552.1).

ClinVar aggregate classification (germline): Uncertain significance (1 of 4 stars; one submission).

Conditions:
CRB2-related disorder. Also called: CRB2-related disorders; CRB2-related condition.

gnomAD v4.1: 8 of 1,609,028 alleles (0.0005%); highest among the groups gnomAD compares: South Asian, 0.0022%; no homozygotes.

Submission:

PreventionGenetics, part of Exact Sciences
Classification: Uncertain significance for CRB2-related condition. Last evaluated: 2026-06-24. Review status: criteria provided, single submitter. Criteria: ACMG Guidelines, 2015. Collection method: clinical testing. Allele origin: germline.
Comment: The CRB2 c.1898G>A variant is predicted to result in the amino acid substitution p.Arg633Gln. To our knowledge, this variant has not been reported in the literature. This variant is reported in 0.0029% of alleles in individuals of Latino descent in gnomAD. At this time, the clinical significance of this variant is uncertain due to the absence of conclusive functional and genetic evidence.